The following is an entry in ClinVar:

ClinVar aggregate classification (germline): Uncertain significance (0 of 4 stars; one submission).

Conditions:
SEMA3C-related disorder. Also called: SEMA3C-related condition.

Submission:

PreventionGenetics, part of Exact Sciences
Classification: Uncertain significance for SEMA3C-related condition. Last evaluated: 2024-01-15. Review status: no assertion criteria provided. Collection method: clinical testing. Allele origin: germline.
Comment: The SEMA3C c.1343C>G variant is predicted to result in the amino acid substitution p.Thr448Arg. To our knowledge, this variant has not been reported in the literature or in a large population database, indicating this variant is rare. At this time, the clinical significance of this variant is uncertain due to the absence of conclusive functional and genetic evidence.

NM_006379.5(SEMA3C):c.1289C>G (p.Thr430Arg)

Gene: SEMA3C (semaphorin 3C; minus strand). Cytogenetic location: 7q21.11.
Variant type: single nucleotide variant.
Coding change: c.1289C>G on transcript NM_006379.5 (MANE Select); coding-DNA position 1289, C replaced by G.
Protein change: p.Thr430Arg; replaces threonine 430 with arginine.
Molecular consequence: missense variant.
Genome position (GRCh38, 1-based): chr7:80,789,371, G>C on the plus strand (C>G on the coding strand, the complement: SEMA3C is on the minus strand). VCF-style: chr7-80789371-G-C. GRCh37 (hg19) VCF-style: chr7-80418687-G-C.
Other names: c.1343C>G, p.Thr448Arg (NM_001350120.2); c.1115C>G, p.Thr372Arg (NM_001350121.2); short protein forms T372R, T430R, T448R.
Identifiers: ClinVar variation 3348083 (VCV003348083.1).